The following is an entry in ClinVar:

ClinVar aggregate classification (germline): Uncertain significance (1 of 4 stars; one submission).

gnomAD v4.1: 2 of 1,614,202 alleles (0.00012%); highest among the groups gnomAD compares: East Asian, 0.0045%; no homozygotes.

Submission:

Labcorp Genetics (formerly Invitae), Labcorp
Classification: Uncertain significance. Last evaluated: 2024-12-12. Review status: criteria provided, single submitter. Criteria: Invitae Variant Classification Sherloc (09022015). Collection method: clinical testing. Allele origin: germline.
Comment: This sequence change replaces leucine, which is neutral and non-polar, with proline, which is neutral and non-polar, at codon 553 of the CEP89 protein (p.Leu553Pro). This variant is present in population databases (rs776078608, gnomAD 0.006%). This variant has not been reported in the literature in individuals affected with CEP89-related conditions. An algorithm developed to predict the effect of missense changes on protein structure and function (PolyPhen-2) suggests that this variant is likely to be disruptive. In summary, the available evidence is currently insufficient to determine the role of this variant in disease. Therefore, it has been classified as a Variant of Uncertain Significance.

NM_032816.5(CEP89):c.1658T>C (p.Leu553Pro)

Gene: CEP89 (centrosomal protein 89; minus strand). Cytogenetic location: 19q13.11.
Variant type: single nucleotide variant.
Coding change: c.1658T>C on transcript NM_032816.5 (MANE Select); coding-DNA position 1658, T replaced by C.
Protein change: p.Leu553Pro; replaces leucine 553 with proline.
Molecular consequence: missense variant.
Genome position (GRCh38, 1-based): chr19:32,901,320, A>G on the plus strand (T>C on the coding strand, the complement: CEP89 is on the minus strand). VCF-style: chr19-32901320-A-G. GRCh37 (hg19) VCF-style: chr19-33392226-A-G.
Other names: short protein forms L553P.
Identifiers: ClinVar variation 3670371 (VCV003670371.2).
Genomic context (GRCh38, chr19:32,901,320, plus strand): 5'-GCTCGTTCAAGTTCGGCTTCCAGTGCTTTGTTTTGCTCTGTCAAACTGTTCTTCTCTAAC[A>G]GCAGGCTCTTCTTCTGCGCTTGCAGGACTGTCAGCTTCTCCATCAACTCCTCCATCTCAG-3'
Protein context (NP_116205.3, residues 543-563): TVLQAQKKSL[Leu553Pro]LEKNSLTEQN